The following is an entry in ClinVar:

NM_020436.5(SALL4):c.2501C>T (p.Pro834Leu)

Gene: SALL4 (spalt like transcription factor 4; minus strand). Cytogenetic location: 20q13.2.
Variant type: single nucleotide variant.
Coding change: c.2501C>T on transcript NM_020436.5 (MANE Select); coding-DNA position 2501, C replaced by T.
Protein change: p.Pro834Leu; replaces proline 834 with leucine.
Molecular consequence: missense variant.
Genome position (GRCh38, 1-based): chr20:51,789,102, G>A on the plus strand (C>T on the coding strand, the complement: SALL4 is on the minus strand). VCF-style: chr20-51789102-G-A. GRCh37 (hg19) VCF-style: chr20-50405641-G-A.
Other names: c.1190C>T, p.Pro397Leu (NM_001318031.2); short protein forms P834L, P397L.
Identifiers: ClinVar variation 1922212 (VCV001922212.5), dbSNP rs1037436397, ClinGen allele CA315371163.

ClinVar aggregate classification (germline): Uncertain significance (1 of 4 stars; one submission).

Conditions:
Duane-radial ray syndrome (DRRS). Also called: Duane-Radial Ray Syndrome (DRRS) / Okihiro Syndrome; ACRORENOOCULAR SYNDROME; DR SYNDROME; DUANE ANOMALY WITH RADIAL RAY ABNORMALITIES AND DEAFNESS; Okihiro Syndrome; Duane-Radial Ray Syndrome/Okihiro Syndrome. Identifiers: Orphanet 93293, Orphanet 959, MedGen C1623209, MONDO:0011812, OMIM 607323. Disease mechanism: gain of function.

Allele frequency attached by ClinVar (database versions not stated): gnomAD exomes below 0.00001.

Submission:

Labcorp Genetics (formerly Invitae), Labcorp
Classification: Uncertain significance for Duane-radial ray syndrome. Last evaluated: 2022-10-24. Review status: criteria provided, single submitter. Criteria: Invitae Variant Classification Sherloc (09022015). Collection method: clinical testing. Allele origin: germline.
Comment: This variant has not been reported in the literature in individuals affected with SALL4-related conditions. This sequence change replaces proline, which is neutral and non-polar, with leucine, which is neutral and non-polar, at codon 834 of the SALL4 protein (p.Pro834Leu). This variant is not present in population databases (gnomAD no frequency). Algorithms developed to predict the effect of missense changes on protein structure and function are either unavailable or do not agree on the potential impact of this missense change (SIFT: "Deleterious"; PolyPhen-2: "Probably Damaging"; Align-GVGD: "Class C15"). In summary, the available evidence is currently insufficient to determine the role of this variant in disease. Therefore, it has been classified as a Variant of Uncertain Significance.